The following is an entry in ClinVar:

ClinVar aggregate classification (germline): Uncertain significance (1 of 4 stars; one submission).

Submission:

Labcorp Genetics (formerly Invitae), Labcorp
Classification: Uncertain significance. Last evaluated: 2024-06-19. Review status: criteria provided, single submitter. Criteria: Invitae Variant Classification Sherloc (09022015). Collection method: clinical testing. Allele origin: germline.
Comment: This sequence change replaces proline, which is neutral and non-polar, with threonine, which is neutral and polar, at codon 1147 of the ZNF687 protein (p.Pro1147Thr). This variant is not present in population databases (gnomAD no frequency). This variant has not been reported in the literature in individuals affected with ZNF687-related conditions. An algorithm developed to predict the effect of missense changes on protein structure and function (PolyPhen-2) suggests that this variant is likely to be tolerated. In summary, the available evidence is currently insufficient to determine the role of this variant in disease. Therefore, it has been classified as a Variant of Uncertain Significance.

NM_020832.3(ZNF687):c.3439C>A (p.Pro1147Thr)

Gene: ZNF687 (zinc finger protein 687; plus strand). Cytogenetic location: 1q21.3.
Variant type: single nucleotide variant.
Coding change: c.3439C>A on transcript NM_020832.3 (MANE Select); coding-DNA position 3439, C replaced by A.
Protein change: p.Pro1147Thr; replaces proline 1147 with threonine.
Molecular consequence: missense variant.
Genome position (GRCh38, 1-based): chr1:151,290,934, C>A. VCF-style: chr1-151290934-C-A. GRCh37 (hg19) VCF-style: chr1-151263410-C-A.
Other names: c.3439C>A, p.Pro1147Thr (NM_001304764.2, NM_001304763.2); short protein forms P1147T.
Identifiers: ClinVar variation 3709071 (VCV003709071.2).